The following is an entry in ClinVar:

ClinVar aggregate classification (germline): Pathogenic. Review status: criteria provided, multiple submitters, no conflicts (2 of 4 stars). 3 submissions from 3 submitters: Pathogenic (3). Last evaluated 2023-05-18.

Conditions:
Familial cancer of breast. Also called: hereditary breast carcinoma; Hereditary breast cancer; BREAST CANCER, FAMILIAL. Identifiers: Orphanet 227535, MedGen C0346153, MONDO:0016419, OMIM 114480. Disease mechanism: loss of function.
Hereditary cancer-predisposing syndrome. Also called: Hereditary neoplastic syndrome; Neoplastic Syndromes, Hereditary; Tumor predisposition; Hereditary Cancer Syndrome. Identifiers: Orphanet 140162, MedGen C0027672, MeSH D009386, MONDO:0015356.

Submissions (3):

Myriad Genetics, Inc.
Classification: Pathogenic for Familial cancer of breast. Last evaluated: 2023-05-18. Review status: criteria provided, single submitter. Criteria: Myriad Autosomal Dominant, Autosomal Recessive and X-Linked Classification Criteria (2023). Collection method: clinical testing. Allele origin: unknown.
Comment: This variant is considered pathogenic. This variant creates a frameshift predicted to result in premature protein truncation.

Labcorp Genetics (formerly Invitae), Labcorp
Classification: Pathogenic for Familial cancer of breast. Last evaluated: 2020-12-28. Review status: criteria provided, single submitter. Criteria: Invitae Variant Classification Sherloc (09022015). Collection method: clinical testing. Allele origin: germline.
Comment: For these reasons, this variant has been classified as Pathogenic. This variant has not been reported in the literature in individuals with BARD1-related conditions. ClinVar contains an entry for this variant (Variation ID: 565862). This variant is not present in population databases (ExAC no frequency). This sequence change creates a premature translational stop signal (p.Cys62Valfs*2) in the BARD1 gene. It is expected to result in an absent or disrupted protein product. Loss-of-function variants in BARD1 are known to be pathogenic (PMID: 20077502, 21344236).

Ambry Genetics
Classification: Pathogenic for Hereditary cancer-predisposing syndrome. Last evaluated: 2020-09-03. Review status: criteria provided, single submitter. Criteria: Ambry Variant Classification Scheme 2023. Collection method: clinical testing. Allele origin: germline.
Comment: The c.184delT pathogenic mutation, located in coding exon 2 of the BARD1 gene, results from a deletion of one nucleotide at nucleotide position 184, causing a translational frameshift with a predicted alternate stop codon (p.C62Vfs*2). This alteration is expected to result in loss of function by premature protein truncation or nonsense-mediated mRNA decay. As such, this alteration is interpreted as a disease-causing mutation.

Literature cited by the submitters: PubMed 20077502 (cited by Labcorp Genetics (formerly Invitae), Labcorp); PubMed 21344236 (cited by Labcorp Genetics (formerly Invitae), Labcorp).

NM_000465.4(BARD1):c.184del (p.Cys62fs)

Gene: BARD1 (BRCA1 associated RING domain 1; minus strand). Cytogenetic location: 2q35.
Variant type: Deletion.
Coding change: c.184del on transcript NM_000465.4 (MANE Select); coding-DNA position 184, one base deleted (T; older notation c.184delT).
Protein change: p.Cys62fs; shifts the reading frame from cysteine 62.
Molecular consequence: frameshift variant. On other transcripts: non-coding transcript variant (2), intron variant (2).
Genome position (GRCh38, 1-based): chr2:214,797,092, A deleted on the plus strand (T on the coding strand, the reverse complement: BARD1 is on the minus strand). VCF-style (leftmost placement, unchanged base first): chr2-214797091-CA-C. GRCh37 (hg19) VCF-style: chr2-215661815-CA-C.
Other names: c.184del, p.Cys62fs (NM_001282545.2, NM_001282549.2); c.158+12320del (NM_001282548.2); c.159-4647del (NM_001282543.2); short protein forms C62fs.
Identifiers: ClinVar variation 565862 (VCV000565862.11), dbSNP rs1559441846, ClinGen allele CA891843070.
Genomic context (GRCh38, chr2:214,797,091, plus strand): 5'-TACTATATACATCAAACCGTAATTACTTACCTACAGAAGATGTGCTCACATCCTCCTAAA[CA>C]CACAGGCTCTCTCAGAATGTTAGTACTGTTTGAAGAAATTAAAACAATCAAGATTTGAGT-3'